The following is an entry in ClinVar:

ClinVar aggregate classification (germline): Uncertain significance (1 of 4 stars; one submission).

Conditions:
DST-related disorder. Also called: DST-related disorders; DST-related condition.

Allele frequency attached by ClinVar (database versions not stated): gnomAD 0.00002; gnomAD exomes 0.00003; ExAC 0.00010.
gnomAD v4.1: 52 of 1,612,476 alleles (0.0032%); highest among the groups gnomAD compares: South Asian, 0.052%; no homozygotes.

Submission:

PreventionGenetics, part of Exact Sciences
Classification: Uncertain significance for DST-related condition. Last evaluated: 2023-05-09. Review status: criteria provided, single submitter. Criteria: ACMG Guidelines, 2015. Collection method: clinical testing. Allele origin: germline.
Comment: The DST c.16556A>G variant is predicted to result in the amino acid substitution p.Tyr5519Cys. To our knowledge, this variant has not been reported in the literature. This variant is reported in 0.056% of alleles in individuals of South Asian descent in gnomAD. At this time, the clinical significance of this variant is uncertain due to the absence of conclusive functional and genetic evidence.

NM_001374736.1(DST):c.22985A>G (p.Tyr7662Cys)

Gene: DST (dystonin; minus strand). Cytogenetic location: 6p12.1.
Variant type: single nucleotide variant.
Coding change: c.22985A>G on transcript NM_001374736.1 (MANE Select); coding-DNA position 22985, A replaced by G.
Protein change: p.Tyr7662Cys; replaces tyrosine 7662 with cysteine.
Molecular consequence: missense variant. On other transcripts: intron variant (2).
Genome position (GRCh38, 1-based): chr6:56,463,131, T>C on the plus strand (A>G on the coding strand, the complement: DST is on the minus strand). VCF-style: chr6-56463131-T-C. GRCh37 (hg19) VCF-style: chr6-56327929-T-C.
Other names: c.16556A>G, p.Tyr5519Cys (NM_001144769.5); c.16142A>G, p.Tyr5381Cys (NM_001144770.2); c.22913A>G, p.Tyr7638Cys (NM_001374722.1); c.22940A>G, p.Tyr7647Cys (NM_001374734.1); c.16004A>G, p.Tyr5335Cys (NM_001386100.1); c.15044A>G, p.Tyr5015Cys (NM_015548.5); c.16022A>G, p.Tyr5341Cys (NM_183380.4); c.15741+434A>G (NM_001374730.1); and 1 more; short protein forms Y5015C, Y5335C, Y5341C, Y5381C, Y5519C, Y7638C, Y7647C, Y7662C.
Identifiers: ClinVar variation 2635728 (VCV002635728.1), dbSNP rs771480926, ClinGen allele CA3866073.